The following is an entry in ClinVar:

NM_001040108.2(MLH3):c.1242A>G (p.Lys414=)

Gene: MLH3 (mutL homolog 3; minus strand). Cytogenetic location: 14q24.3.
Variant type: single nucleotide variant.
Coding change: c.1242A>G on transcript NM_001040108.2 (MANE Select); coding-DNA position 1242, A replaced by G.
Protein change: p.Lys414=; no amino-acid change (lysine 414 retained).
Molecular consequence: synonymous variant.
Genome position (GRCh38, 1-based): chr14:75,048,414, T>C on the plus strand (A>G on the coding strand, the complement: MLH3 is on the minus strand). VCF-style: chr14-75048414-T-C. GRCh37 (hg19) VCF-style: chr14-75515117-T-C.
Other names: c.1242A>G, p.Lys414= (NM_014381.3).
Identifiers: ClinVar variation 4552101 (VCV004552101.2).

ClinVar aggregate classification (germline): Benign/Likely benign. Review status: criteria provided, multiple submitters, no conflicts (2 of 4 stars). 2 submissions from 2 submitters: Benign (1); Likely benign (1). Last evaluated 2026-04-29.

Conditions:
Colorectal cancer, hereditary nonpolyposis, type 7. Identifiers: Orphanet 144, MedGen C1858380, MONDO:0013725, OMIM 614385.

Submissions (2):

Myriad Genetics, Inc.
Classification: Benign for Colorectal cancer, hereditary nonpolyposis, type 7. Last evaluated: 2026-04-29. Review status: criteria provided, single submitter. Criteria: Myriad Autosomal Dominant, Autosomal Recessive and X-Linked Classification Criteria (2023). Collection method: clinical testing. Allele origin: unknown.
Comment: This variant is considered benign. This variant is a silent/synonymous amino acid change and it is not expected to impact splicing.

Ambry Genetics
Classification: Likely benign. Last evaluated: 2025-10-23. Review status: criteria provided, single submitter. Criteria: Ambry Variant Classification Scheme 2023. Collection method: clinical testing. Allele origin: germline.